The following is an entry in ClinVar:

ClinVar aggregate classification (germline): Likely benign. Review status: criteria provided, multiple submitters, no conflicts (2 of 4 stars). 2 submissions from 2 submitters: Likely benign (2). Last evaluated 2023-11-24.

Conditions:
Neuromuscular disease caused by qualitative or quantitative defects of dysferlin. Also called: Dysferlinopathy; Qualitative or quantitative defects of dysferlin. Identifiers: Orphanet 207073, MedGen C2931687, MONDO:0016145.

Allele frequency attached by ClinVar (database versions not stated): gnomAD exomes below 0.00001; gnomAD 0.00001; TOPMed 0.00002.
gnomAD v4.1: 6 of 1,612,182 alleles (0.00037%); highest among the groups gnomAD compares: African/African-American, 0.0067%; no homozygotes.

Submissions (2):

Labcorp Genetics (formerly Invitae), Labcorp
Classification: Likely benign for Neuromuscular disease caused by qualitative or quantitative defects of dysferlin. Last evaluated: 2023-11-24. Review status: criteria provided, single submitter. Criteria: Invitae Variant Classification Sherloc (09022015). Collection method: clinical testing. Allele origin: germline.

GeneDx
Classification: Likely benign. Last evaluated: 2018-03-20. Review status: criteria provided, single submitter. Criteria: GeneDx Variant Classification (06012015). Collection method: clinical testing. Allele origin: germline. Affected: yes.
Comment: This variant is considered likely benign or benign based on one or more of the following criteria: it is a conservative change, it occurs at a poorly conserved position in the protein, it is predicted to be benign by multiple in silico algorithms, and/or has population frequency not consistent with disease.

NM_001130987.2(DYSF):c.239+8G>A

Gene: DYSF (dysferlin; plus strand). Cytogenetic location: 2p13.2.
Variant type: single nucleotide variant.
Coding change: c.239+8G>A on transcript NM_001130987.2 (MANE Select); 8 bases into the intron after coding-DNA position 239, G replaced by A.
Molecular consequence: intron variant.
Genome position (GRCh38, 1-based): chr2:71,481,978, G>A. VCF-style: chr2-71481978-G-A. GRCh37 (hg19) VCF-style: chr2-71709108-G-A.
Other names: c.236+8G>A (NM_001130979.2, NM_001130981.2, NM_001130980.2 and 4 more transcripts); c.239+8G>A (NM_001130982.2, NM_001130985.2, NM_001130983.2 and 3 more transcripts).
Identifiers: ClinVar variation 680535 (VCV000680535.8), dbSNP rs980565746, ClinGen allele CA49751204.